The following is an entry in ClinVar:

NM_001321759.2(CDIN1):c.98C>T (p.Pro33Leu)

Gene: CDIN1 (CDAN1 interacting nuclease 1; plus strand). Cytogenetic location: 15q14.
Variant type: single nucleotide variant.
Coding change: c.98C>T on transcript NM_001321759.2 (MANE Select); coding-DNA position 98, C replaced by T.
Protein change: p.Pro33Leu; replaces proline 33 with leucine.
Molecular consequence: missense variant. On other transcripts: 5 prime UTR variant (2).
Genome position (GRCh38, 1-based): chr15:36,579,958, C>T. VCF-style: chr15-36579958-C-T. GRCh37 (hg19) VCF-style: chr15-36872159-C-T.
Other names: c.98C>T, p.Pro33Leu (NM_001130010.3, NM_001290233.2, NM_001321758.2 and 2 more transcripts); c.-151C>T (NM_001321756.2); c.-306C>T (NM_001321757.2); short protein forms P33L.
Identifiers: ClinVar variation 2067859 (VCV002067859.6), dbSNP rs188412916, ClinGen allele CA7468713.

ClinVar aggregate classification (germline): Uncertain significance. Review status: criteria provided, multiple submitters, no conflicts (2 of 4 stars). 3 submissions from 3 submitters: Uncertain significance (3). Last evaluated 2024-11-25.

Conditions:
Congenital dyserythropoietic anemia type type 1B (CDAN1B). Also called: C15ORF41-Related Congenital Dyserythropoietic Anemia; ANEMIA, CONGENITAL DYSERYTHROPOIETIC, TYPE Ib; CDA, TYPE Ib. Identifiers: Orphanet 98869, MedGen C3810185, MONDO:0014285, OMIM 615631.

Allele frequency attached by ClinVar (database versions not stated): 1000 Genomes Project 30x 0.00016; 1000 Genomes Project 0.00020; TOPMed 0.00027; gnomAD 0.00029; ExAC 0.00031; ESP Exome Variant Server 0.00039; gnomAD exomes 0.00047.
gnomAD v4.1: 726 of 1,612,566 alleles (0.045%); highest among the groups gnomAD compares: Non-Finnish European, 0.056%; no homozygotes.

Submissions (3):

Blueprint Genetics
Classification: Uncertain significance. Last evaluated: 2024-11-25. Review status: criteria provided, single submitter. Criteria: ACMG Guidelines, 2015. Collection method: clinical testing. Allele origin: germline.

Revvity Omics, Revvity
Classification: Uncertain significance for Congenital dyserythropoietic anemia type type 1B. Last evaluated: 2024-06-14. Review status: criteria provided, single submitter. Criteria: ACMG Guidelines, 2015. Collection method: clinical testing. Allele origin: germline.

Labcorp Genetics (formerly Invitae), Labcorp
Classification: Uncertain significance. Last evaluated: 2024-01-09. Review status: criteria provided, single submitter. Criteria: Invitae Variant Classification Sherloc (09022015). Collection method: clinical testing. Allele origin: germline.
Comment: This sequence change replaces proline, which is neutral and non-polar, with leucine, which is neutral and non-polar, at codon 33 of the C15orf41 protein (p.Pro33Leu). This variant is present in population databases (rs188412916, gnomAD 0.04%). This variant has not been reported in the literature in individuals affected with C15orf41-related conditions. ClinVar contains an entry for this variant (Variation ID: 2067859). Advanced modeling of protein sequence and biophysical properties (such as structural, functional, and spatial information, amino acid conservation, physicochemical variation, residue mobility, and thermodynamic stability) has been performed at Invitae for this missense variant, however the output from this modeling did not meet the statistical confidence thresholds required to predict the impact of this variant on C15orf41 protein function. In summary, the available evidence is currently insufficient to determine the role of this variant in disease. Therefore, it has been classified as a Variant of Uncertain Significance.